The following is an entry in ClinVar:

NM_005918.4(MDH2):c.623T>C (p.Leu208Pro)

Gene: MDH2 (malate dehydrogenase 2; plus strand). Cytogenetic location: 7q11.23.
Variant type: single nucleotide variant.
Coding change: c.623T>C on transcript NM_005918.4 (MANE Select); coding-DNA position 623, T replaced by C.
Protein change: p.Leu208Pro; replaces leucine 208 with proline.
Molecular consequence: missense variant.
Genome position (GRCh38, 1-based): chr7:76,063,582, T>C. VCF-style: chr7-76063582-T-C. GRCh37 (hg19) VCF-style: chr7-75692900-T-C.
Other names: c.497T>C, p.Leu166Pro (NM_001282403.2); c.302T>C, p.Leu101Pro (NM_001282404.2); short protein forms L166P, L208P, L101P.
Identifiers: ClinVar variation 1752382 (VCV001752382.2), dbSNP rs2535869754, ClinGen allele CA367766899.

ClinVar aggregate classification (germline): Uncertain significance (1 of 4 stars; one submission).

Conditions:
Inborn genetic diseases. Identifiers: MedGen C0950123, MeSH D030342.

Submission:

Ambry Genetics
Classification: Uncertain significance for Inborn genetic diseases. Last evaluated: 2022-03-18. Review status: criteria provided, single submitter. Criteria: Ambry Variant Classification Scheme 2023. Collection method: clinical testing. Allele origin: germline.
Comment: The p.L208P variant (also known as c.623T>C), located in coding exon 6 of the MDH2 gene, results from a T to C substitution at nucleotide position 623. The leucine at codon 208 is replaced by proline, an amino acid with similar properties. This amino acid position is conserved. In addition, this alteration is predicted to be deleterious by in silico analysis. Since supporting evidence is limited at this time, the clinical significance of this alteration remains unclear.